The following is an entry in ClinVar:

NM_000321.3(RB1):c.667del (p.Asp224fs)

Gene: RB1 (RB transcriptional corepressor 1; plus strand). Cytogenetic location: 13q14.2.
Variant type: Deletion.
Coding change: c.667del on transcript NM_000321.3 (MANE Select); coding-DNA position 667, one base deleted (C; older notation c.667delC).
Protein change: p.Asp224fs; shifts the reading frame from aspartic acid 224.
Molecular consequence: frameshift variant.
Genome position (GRCh38, 1-based): chr13:48,360,076, C deleted; the last of 2 consecutive C bases (chr13:48,360,075-48,360,076); deleting either gives the same sequence. VCF-style (leftmost placement, unchanged base first): chr13-48360074-TC-T. GRCh37 (hg19) VCF-style: chr13-48934210-TC-T.
Other names: c.667del, p.Asp224fs (NM_001407165.1, NM_001407166.1); short protein forms D224fs.
Identifiers: ClinVar variation 2565217 (VCV002565217.2), dbSNP rs2542178621, ClinGen allele CA2580614718.

ClinVar aggregate classification (germline): Pathogenic (1 of 4 stars; one submission).

Conditions:
Hereditary cancer-predisposing syndrome. Also called: Neoplastic Syndromes, Hereditary; Hereditary Cancer Syndrome; Hereditary neoplastic syndrome; Tumor predisposition. Identifiers: Orphanet 140162, MedGen C0027672, MeSH D009386, MONDO:0015356.

Submission:

Ambry Genetics
Classification: Pathogenic for Hereditary cancer-predisposing syndrome. Last evaluated: 2023-04-07. Review status: criteria provided, single submitter. Criteria: Ambry Variant Classification Scheme 2023. Collection method: clinical testing. Allele origin: germline.
Comment: The c.667delC pathogenic mutation, located in coding exon 7 of the RB1 gene, results from a deletion of one nucleotide at nucleotide position 667, causing a translational frameshift with a predicted alternate stop codon (p.D224Tfs*40). This alteration has been observed in at least one individual with a personal and/or family history that is consistent with RB1-related disease (Ambry internal data). This variant is considered to be rare based on population cohorts in the Genome Aggregation Database (gnomAD). In addition to the clinical data, this alteration is expected to result in loss of function by premature protein truncation or nonsense-mediated mRNA decay. As such, this alteration is interpreted as a disease-causing mutation.